The following is an entry in ClinVar:

NM_005245.4(FAT1):c.7165C>T (p.Leu2389Phe)

Gene: FAT1 (FAT atypical cadherin 1; minus strand). Cytogenetic location: 4q35.2.
Variant type: single nucleotide variant.
Coding change: c.7165C>T on transcript NM_005245.4 (MANE Select); coding-DNA position 7165, C replaced by T.
Protein change: p.Leu2389Phe; replaces leucine 2389 with phenylalanine.
Molecular consequence: missense variant.
Genome position (GRCh38, 1-based): chr4:186,619,421, G>A on the plus strand (C>T on the coding strand, the complement: FAT1 is on the minus strand). VCF-style: chr4-186619421-G-A. GRCh37 (hg19) VCF-style: chr4-187540575-G-A.
Other names: short protein forms L2389F.
Identifiers: ClinVar variation 2012221 (VCV002012221.4), dbSNP rs2126505407, ClinGen allele CA358965768.

ClinVar aggregate classification (germline): Uncertain significance (1 of 4 stars; one submission).

gnomAD v4.1: 2 of 1,614,044 alleles (0.00012%); highest among the groups gnomAD compares: South Asian, 0.0022%; no homozygotes.

Submission:

Labcorp Genetics (formerly Invitae), Labcorp
Classification: Uncertain significance. Last evaluated: 2021-11-28. Review status: criteria provided, single submitter. Criteria: Invitae Variant Classification Sherloc (09022015). Collection method: clinical testing. Allele origin: germline.
Comment: In summary, the available evidence is currently insufficient to determine the role of this variant in disease. Therefore, it has been classified as a Variant of Uncertain Significance. Algorithms developed to predict the effect of missense changes on protein structure and function (SIFT, PolyPhen-2, Align-GVGD) all suggest that this variant is likely to be tolerated. This variant has not been reported in the literature in individuals affected with FAT1-related conditions. This variant is not present in population databases (gnomAD no frequency). This sequence change replaces leucine, which is neutral and non-polar, with phenylalanine, which is neutral and non-polar, at codon 2389 of the FAT1 protein (p.Leu2389Phe).